The following is an entry in ClinVar:

NM_001037333.3(CYFIP2):c.3293G>T (p.Arg1098Leu)

Genes: CYFIP2 (cytoplasmic FMR1 interacting protein 2; plus strand), NIPAL4-DT (NIPAL4 divergent transcript; minus strand). Cytogenetic location: 5q33.3.
Variant type: single nucleotide variant.
Coding change: c.3293G>T on transcript NM_001037333.3 (MANE Select); coding-DNA position 3293, G replaced by T.
Protein change: p.Arg1098Leu; replaces arginine 1098 with leucine.
Molecular consequence: missense variant.
Genome position (GRCh38, 1-based): chr5:157,389,274, G>T. VCF-style: chr5-157389274-G-T. GRCh37 (hg19) VCF-style: chr5-156816282-G-T.
Other names: c.3293G>T (NM_001037333.1); c.3215G>T, p.Arg1072Leu (NM_001291721.2); c.3368G>T, p.Arg1123Leu (NM_001291722.2); c.3293G>T, p.Arg1098Leu (NM_014376.4); short protein forms R1072L, R1123L, R1098L.
Identifiers: ClinVar variation 2871441 (VCV002871441.4), dbSNP rs748704223, ClinGen allele CA361982079.

ClinVar aggregate classification (germline): Uncertain significance. Review status: criteria provided, multiple submitters, no conflicts (2 of 4 stars). 2 submissions from 2 submitters: Uncertain significance (2). Last evaluated 2024-11-21.

Conditions:
Inborn genetic diseases. Identifiers: MedGen C0950123, MeSH D030342.

gnomAD v4.1: 2 of 1,614,044 alleles (0.00012%); highest among the groups gnomAD compares: South Asian, 0.0011%; no homozygotes.

Submissions (2):

Ambry Genetics
Classification: Uncertain significance for Inborn genetic diseases. Last evaluated: 2024-11-21. Review status: criteria provided, single submitter. Criteria: Ambry Variant Classification Scheme 2023. Collection method: clinical testing. Allele origin: germline.

Labcorp Genetics (formerly Invitae), Labcorp
Classification: Uncertain significance. Last evaluated: 2024-10-04. Review status: criteria provided, single submitter. Criteria: Invitae Variant Classification Sherloc (09022015). Collection method: clinical testing. Allele origin: germline.
Comment: This sequence change replaces arginine, which is basic and polar, with leucine, which is neutral and non-polar, at codon 1098 of the CYFIP2 protein (p.Arg1098Leu). This variant is not present in population databases (gnomAD no frequency). This variant has not been reported in the literature in individuals affected with CYFIP2-related conditions. Experimental studies and prediction algorithms are not available or were not evaluated, and the functional significance of this variant is currently unknown. In summary, the available evidence is currently insufficient to determine the role of this variant in disease. Therefore, it has been classified as a Variant of Uncertain Significance.